The following is an entry in ClinVar:

ClinVar aggregate classification (germline): Uncertain significance. Review status: criteria provided, multiple submitters, no conflicts (2 of 4 stars). 4 submissions from 4 submitters: Uncertain significance (2). 2 of the submissions do not count toward it. Last evaluated 2025-09-26.

Conditions:
Jeune thoracic dystrophy. Also called: Jeune syndrome; Infantile thoracic dystrophy; Thoracic pelvic phalangeal dystrophy; Jeune's syndrome; Chondroectodermal dysplasia-like syndrome; Short-rib thoracic dysplasia. Identifiers: Orphanet 474, MedGen C0265275, MONDO:0018770.

Allele frequency attached by ClinVar (database versions not stated): gnomAD 0.00001 and 0.00002; TOPMed 0.00002; ESP Exome Variant Server 0.00009.
gnomAD v4.1: 20 of 1,606,152 alleles (0.0012%); highest among the groups gnomAD compares: Non-Finnish European, 0.0017%; no homozygotes.

Submissions (4):

Mayo Clinic Laboratories, Mayo Clinic
Classification: Uncertain significance. Last evaluated: 2025-09-26. Review status: criteria provided, single submitter. Criteria: ACMG Guidelines, 2015. Collection method: clinical testing. Allele origin: germline. Observed: 1 variant allele.
Comment: PM2_supporting, PM3

GeneDx
Classification: Uncertain significance. Last evaluated: 2020-11-09. Review status: criteria provided, single submitter. Criteria: GeneDx Variant Classification Process June 2021. Collection method: clinical testing. Allele origin: germline. Affected: yes.
Comment: Identified in a prenatal proband with asphyxiating thoracic dystrophy in published literature (Zhang et al., 2018); Not observed at a significant frequency in large population cohorts (Lek et al., 2016); In silico analysis supports that this missense variant has a deleterious effect on protein structure/function; This variant is associated with the following publications: (PMID: 29068549, 33369054)

Dan Cohn Lab, University Of California Los Angeles
Classification: Pathogenic for Asphyxiating thoracic dystrophy. Last evaluated: 2017-06-01. Review status: no assertion criteria provided. Collection method: research. Allele origin: paternal. Affected: yes. Not counted in ClinVar's aggregate classification.

University of Washington Center for Mendelian Genomics, University of Washington
Classification: Likely pathogenic for asphyxiating thoracic dystrophy. Review status: no assertion criteria provided. Collection method: research. Allele origin: inherited. Affected: yes. Not counted in ClinVar's aggregate classification.

Literature cited by the submitters: PubMed 29068549 (cited by 3 submitters); PubMed 33369054 (cited by Mayo Clinic Laboratories, Mayo Clinic).

NM_001377.3(DYNC2H1):c.7277G>T (p.Arg2426Leu)

Gene: DYNC2H1 (dynein cytoplasmic 2 heavy chain 1; plus strand). Cytogenetic location: 11q22.3.
Variant type: single nucleotide variant.
Coding change: c.7277G>T on transcript NM_001377.3 (MANE Select); coding-DNA position 7277, G replaced by T.
Protein change: p.Arg2426Leu; replaces arginine 2426 with leucine.
Molecular consequence: missense variant.
Genome position (GRCh38, 1-based): chr11:103,188,633, G>T. VCF-style: chr11-103188633-G-T. GRCh37 (hg19) VCF-style: chr11-103059362-G-T.
Other names: p.Arg2426Leu; c.7277G>T, p.Arg2426Leu (NM_001080463.2); short protein forms R2426L.
Identifiers: ClinVar variation 446544 (VCV000446544.5), dbSNP rs373521030, ClinGen allele CA6254193.